The following is an entry in ClinVar:

NM_138694.4(PKHD1):c.1960G>A (p.Glu654Lys)

Gene: PKHD1 (PKHD1 ciliary IPT domain containing fibrocystin/polyductin; minus strand). Cytogenetic location: 6p12.2.
Variant type: single nucleotide variant.
Coding change: c.1960G>A on transcript NM_138694.4 (MANE Select); coding-DNA position 1960, G replaced by A.
Protein change: p.Glu654Lys; replaces glutamic acid 654 with lysine.
Molecular consequence: missense variant.
Genome position (GRCh38, 1-based): chr6:52,054,042, C>T on the plus strand (G>A on the coding strand, the complement: PKHD1 is on the minus strand). VCF-style: chr6-52054042-C-T. GRCh37 (hg19) VCF-style: chr6-51918840-C-T.
Other names: p.Glu654Lys; c.1960G>A, p.Glu654Lys (NM_170724.3); short protein forms E654K.
Identifiers: ClinVar variation 357446 (VCV000357446.9), dbSNP rs200918134, ClinGen allele CA3853389.
Genomic context (GRCh38, chr6:52,054,042, plus strand): 5'-CAGTGAATCCTCCCAGCTGACTGAATTCCCACCACGCCTCCCCACCGATTAGCTACCTCT[C>T]GGGGCTGGTCCTCGTGAGACTCCAGTCACAGGTGGTATTCTTTACCATGTTTTGAAAGCC-3'
Protein context (NP_619639.3, residues 644-664): CDWSLTRTSP[Glu654Lys]SWQFDCTDLW

ClinVar aggregate classification (germline): Conflicting classifications of pathogenicity. Review status: criteria provided, conflicting classifications (1 of 4 stars). 4 submissions from 4 submitters: Uncertain significance (3); Likely benign (1). Last evaluated 2025-10-16.

Conditions:
Inborn genetic diseases. Identifiers: MedGen C0950123, MeSH D030342.
Autosomal recessive polycystic kidney disease (ARPKD). Also called: AR polycystic kidney disease. Identifiers: Orphanet 731, Orphanet 8378, MedGen C0085548, MeSH D017044, MONDO:0009889.

Allele frequency attached by ClinVar (database versions not stated): ExAC 0.00002; gnomAD exomes 0.00005; gnomAD 0.00006 and 0.00009; TOPMed 0.00006; 1000 Genomes Project 30x 0.00016; 1000 Genomes Project 0.00020.
gnomAD v4.1: 115 of 1,613,854 alleles (0.0071%); highest among the groups gnomAD compares: East Asian, 0.13%; no homozygotes.

Submissions (4):

Mayo Clinic Laboratories, Mayo Clinic
Classification: Uncertain significance. Last evaluated: 2025-10-16. Review status: criteria provided, single submitter. Criteria: ACMG Guidelines, 2015. Collection method: clinical testing. Allele origin: germline. Observed: 1 variant allele.
Comment: BP4_moderate

GeneDx
Classification: Uncertain significance. Last evaluated: 2024-02-26. Review status: criteria provided, single submitter. Criteria: GeneDx Variant Classification Process June 2021. Collection method: clinical testing. Allele origin: germline. Affected: yes.
Comment: In silico analysis supports that this missense variant does not alter protein structure/function; Has not been previously published as pathogenic or benign to our knowledge

Ambry Genetics
Classification: Likely benign for Inborn genetic diseases. Last evaluated: 2022-05-11. Review status: criteria provided, single submitter. Criteria: Ambry Variant Classification Scheme 2023. Collection method: clinical testing. Allele origin: germline.

Illumina Laboratory Services, Illumina
Classification: Uncertain significance for Polycystic kidney disease 4. Last evaluated: 2018-01-13. Review status: criteria provided, single submitter. Criteria: ICSL Variant Classification Criteria 13 December 2019. Collection method: clinical testing. Allele origin: germline.